The following is an entry in ClinVar:

ClinVar aggregate classification (germline): Uncertain significance (1 of 4 stars; one submission).

Submission:

Labcorp Genetics (formerly Invitae), Labcorp
Classification: Uncertain significance. Last evaluated: 2023-11-24. Review status: criteria provided, single submitter. Criteria: Invitae Variant Classification Sherloc (09022015). Collection method: clinical testing. Allele origin: germline.
Comment: This sequence change replaces histidine, which is basic and polar, with leucine, which is neutral and non-polar, at codon 278 of the MSH3 protein (p.His278Leu). This variant is not present in population databases (gnomAD no frequency). This variant has not been reported in the literature in individuals affected with MSH3-related conditions. An algorithm developed to predict the effect of missense changes on protein structure and function (PolyPhen-2) suggests that this variant is likely to be disruptive. In summary, the available evidence is currently insufficient to determine the role of this variant in disease. Therefore, it has been classified as a Variant of Uncertain Significance.

NM_002439.5(MSH3):c.833A>T (p.His278Leu)

Gene: MSH3 (mutS homolog 3; plus strand). Cytogenetic location: 5q14.1.
Variant type: single nucleotide variant.
Coding change: c.833A>T on transcript NM_002439.5 (MANE Select); coding-DNA position 833, A replaced by T.
Protein change: p.His278Leu; replaces histidine 278 with leucine.
Molecular consequence: missense variant.
Genome position (GRCh38, 1-based): chr5:80,672,284, A>T. VCF-style: chr5-80672284-A-T. GRCh37 (hg19) VCF-style: chr5-79968103-A-T.
Other names: short protein forms H278L.
Identifiers: ClinVar variation 2797803 (VCV002797803.3), dbSNP rs1749740358, ClinGen allele CA360267137.
Genomic context (GRCh38, chr5:80,672,284, plus strand): 5'-TTTCTTTTTTCATTTTTTAGATTGCAGCCCGAGAGCTCAATATTTATTGCCATTTAGATC[A>T]CAACTTTATGACAGCAAGTATACCTACTCACAGACTGTTTGTTCATGTACGCCGCCTGGT-3'
Protein context (NP_002430.3, residues 268-288): RELNIYCHLD[His278Leu]NFMTASIPTH